The following is an entry in ClinVar:

NM_002979.5(SCP2):c.673T>A (p.Cys225Ser)

Gene: SCP2 (sterol carrier protein 2; plus strand). Cytogenetic location: 1p32.3.
Variant type: single nucleotide variant.
Coding change: c.673T>A on transcript NM_002979.5 (MANE Select); coding-DNA position 673, T replaced by A.
Protein change: p.Cys225Ser; replaces cysteine 225 with serine.
Molecular consequence: missense variant.
Genome position (GRCh38, 1-based): chr1:52,976,768, T>A. VCF-style: chr1-52976768-T-A. GRCh37 (hg19) VCF-style: chr1-53442440-T-A.
Other names: c.541T>A, p.Cys181Ser (NM_001007098.3, NM_001193600.2); c.601T>A, p.Cys201Ser (NM_001193599.2); c.430T>A, p.Cys144Ser (NM_001193617.2); c.673T>A, p.Cys225Ser (NM_001330587.2); short protein forms C144S, C201S, C225S, C181S.
Identifiers: ClinVar variation 2068545 (VCV002068545.4), dbSNP rs2524665759, ClinGen allele CA340380872.
Genomic context (GRCh38, chr1:52,976,768, plus strand): 5'-AGTTTAGATGAAGTGATGGCATCTAAAGAAGTTTTTGATTTTTTGACTATCTTACAATGT[T>A]GGTAAGAAAAATATATTTTAACATTTAATGAGGGAAGTAACTGCTGCCCTTCCTGCCACC-3'
Protein context (NP_002970.2, residues 215-235): VFDFLTILQC[Cys225Ser]PTSDGAAAAI

ClinVar aggregate classification (germline): Uncertain significance (1 of 4 stars; one submission).

Allele frequency attached by ClinVar (database versions not stated): gnomAD exomes below 0.00001.
gnomAD v4.1: 1 of 1,390,148 alleles (0.000072%); highest among the groups gnomAD compares: Non-Finnish European, 0.0001%; no homozygotes.

Submission:

Labcorp Genetics (formerly Invitae), Labcorp
Classification: Uncertain significance. Last evaluated: 2024-10-16. Review status: criteria provided, single submitter. Criteria: Invitae Variant Classification Sherloc (09022015). Collection method: clinical testing. Allele origin: germline.
Comment: This sequence change replaces cysteine, which is neutral and slightly polar, with serine, which is neutral and polar, at codon 225 of the SCP2 protein (p.Cys225Ser). This variant is not present in population databases (gnomAD no frequency). This variant has not been reported in the literature in individuals affected with SCP2-related conditions. ClinVar contains an entry for this variant (Variation ID: 2068545). An algorithm developed to predict the effect of missense changes on protein structure and function (PolyPhen-2) suggests that this variant is likely to be tolerated. Algorithms developed to predict the effect of sequence changes on RNA splicing suggest that this variant may create or strengthen a splice site. In summary, the available evidence is currently insufficient to determine the role of this variant in disease. Therefore, it has been classified as a Variant of Uncertain Significance.